The following is an entry in ClinVar:

NM_001286574.2(ARMC12):c.601G>T (p.Asp201Tyr)

Gene: ARMC12 (armadillo repeat containing 12; plus strand). Cytogenetic location: 6p21.31.
Variant type: single nucleotide variant.
Coding change: c.601G>T on transcript NM_001286574.2 (MANE Select); coding-DNA position 601, G replaced by T.
Protein change: p.Asp201Tyr; replaces aspartic acid 201 with tyrosine.
Molecular consequence: missense variant.
Genome position (GRCh38, 1-based): chr6:35,747,417, G>T. VCF-style: chr6-35747417-G-T. GRCh37 (hg19) VCF-style: chr6-35715194-G-T.
Other names: c.601G>T, p.Asp201Tyr (NM_001286576.2); c.682G>T, p.Asp228Tyr (NM_145028.5); short protein forms D228Y, D201Y.
Identifiers: ClinVar variation 161808 (VCV000161808.2), dbSNP rs193921111, ClinGen allele CA174824.

ClinVar aggregate classification (germline): Uncertain significance (0 of 4 stars; one submission).

Conditions:
Prostate cancer. Also called: Malignant tumor of prostate. Identifiers: Orphanet 1331, MedGen C0376358, MONDO:0008315, HP:0012125.

Allele frequency attached by ClinVar (database versions not stated): gnomAD exomes 0.00001 and below 0.00001.
gnomAD v4.1: 3 of 1,614,214 alleles (0.00019%); highest among the groups gnomAD compares: South Asian, 0.0033%; no homozygotes.

Submission:

Science for Life laboratory,  Karolinska Institutet
Classification: Uncertain significance for Malignant tumor of prostate. Review status: no assertion criteria provided. Collection method: not provided. Allele origin: somatic.
Comment: TumorID:SWE-92A
ClinVar note: Converted during submission from Unknown to Uncertain significance.